The following is an entry in ClinVar:

NM_000186.4(CFH):c.2781A>C (p.Glu927Asp)

Gene: CFH (complement factor H; plus strand). Cytogenetic location: 1q31.3.
Variant type: single nucleotide variant.
Coding change: c.2781A>C on transcript NM_000186.4 (MANE Select); coding-DNA position 2781, A replaced by C.
Protein change: p.Glu927Asp; replaces glutamic acid 927 with aspartic acid.
Molecular consequence: missense variant.
Genome position (GRCh38, 1-based): chr1:196,737,659, A>C. VCF-style: chr1-196737659-A-C. GRCh37 (hg19) VCF-style: chr1-196706789-A-C.
Other names: short protein forms E927D.
Identifiers: ClinVar variation 3610203 (VCV003610203.3).

ClinVar aggregate classification (germline): Uncertain significance. Review status: criteria provided, multiple submitters, no conflicts (2 of 4 stars). 2 submissions from 2 submitters: Uncertain significance (2). Last evaluated 2026-07-28.

Conditions:
Inborn genetic diseases. Identifiers: MedGen C0950123, MeSH D030342.

gnomAD v4.1: 2 of 1,612,698 alleles (0.00012%); highest among the groups gnomAD compares: East Asian, 0.0022%; no homozygotes.

Submissions (2):

Ambry Genetics
Classification: Uncertain significance for Inborn genetic diseases. Last evaluated: 2026-07-28. Review status: criteria provided, single submitter. Criteria: Ambry Variant Classification Scheme 2023. Collection method: clinical testing. Allele origin: germline.

Labcorp Genetics (formerly Invitae), Labcorp
Classification: Uncertain significance. Last evaluated: 2025-04-13. Review status: criteria provided, single submitter. Criteria: Invitae Variant Classification Sherloc (09022015). Collection method: clinical testing. Allele origin: germline.
Comment: This sequence change replaces glutamic acid, which is acidic and polar, with aspartic acid, which is acidic and polar, at codon 927 of the CFH protein (p.Glu927Asp). This variant is not present in population databases (gnomAD no frequency). This variant has not been reported in the literature in individuals affected with CFH-related conditions. ClinVar contains an entry for this variant (Variation ID: 3610203). An algorithm developed to predict the effect of missense changes on protein structure and function (PolyPhen-2) suggests that this variant is likely to be tolerated. Algorithms developed to predict the effect of sequence changes on RNA splicing suggest that this variant may disrupt the consensus splice site. In summary, the available evidence is currently insufficient to determine the role of this variant in disease. Therefore, it has been classified as a Variant of Uncertain Significance.